The following is an entry in ClinVar:

NM_001267550.2(TTN):c.32887+78T>C

Gene: TTN (titin; minus strand). Cytogenetic location: 2q31.2.
Variant type: single nucleotide variant.
Coding change: c.32887+78T>C on transcript NM_001267550.2 (MANE Select); 78 bases into the intron after coding-DNA position 32887, T replaced by C.
Molecular consequence: intron variant.
Genome position (GRCh38, 1-based): chr2:178,683,133, A>G on the plus strand (T>C on the coding strand, the complement: TTN is on the minus strand). VCF-style: chr2-178683133-A-G. GRCh37 (hg19) VCF-style: chr2-179547860-A-G.
Other names: c.13283-40816T>C (NM_003319.4); c.13859-40816T>C (NM_133437.4); c.13658-40816T>C (NM_133432.3); c.29155+78T>C (NM_133378.4); c.31936+78T>C (NM_001256850.1).
Identifiers: ClinVar variation 673092 (VCV000673092.2), dbSNP rs2303828, ClinGen allele CA15225261.

ClinVar aggregate classification (germline): Benign. Review status: criteria provided, multiple submitters, no conflicts (2 of 4 stars). 2 submissions from 2 submitters: Benign (2). Last evaluated 2018-06-14.

Allele frequency attached by ClinVar (database versions not stated): gnomAD exomes 0.19091; gnomAD 0.21044 and 0.21376; TOPMed 0.22244; 1000 Genomes Project 30x 0.28310; 1000 Genomes Project 0.28494.
gnomAD v4.1: 203,578 of 1,043,458 alleles (20%); highest among the groups gnomAD compares: East Asian, 47%; 22,858 homozygotes.

Submissions (2):

GeneDx
Classification: Benign. Last evaluated: 2018-06-14. Review status: criteria provided, single submitter. Criteria: GeneDx Variant Classification (06012015). Collection method: clinical testing. Allele origin: germline. Affected: yes.
Comment: This variant is considered likely benign or benign based on one or more of the following criteria: it is a conservative change, it occurs at a poorly conserved position in the protein, it is predicted to be benign by multiple in silico algorithms, and/or has population frequency not consistent with disease.

Breakthrough Genomics
Classification: Benign. Review status: criteria provided, single submitter. Criteria: ACMG Guidelines, 2015. Collection method: not provided. Allele origin: germline. Inheritance: Autosomal recessive inheritance. Affected: yes.